The following is an entry in ClinVar:

ClinVar aggregate classification (germline): Uncertain significance. Review status: criteria provided, multiple submitters, no conflicts (2 of 4 stars). 6 submissions from 6 submitters: Uncertain significance (6). Last evaluated 2025-03-01.

Conditions:
PRX-related disorder. Also called: PRX-Related Disorders; PRX-related condition.
Inborn genetic diseases. Identifiers: MedGen C0950123, MeSH D030342.
Charcot-Marie-Tooth disease. Also called: Charcot-Marie-Tooth Hereditary Neuropathy; Charcot-Marie-Tooth Neuropathy. Identifiers: Orphanet 166, MedGen C0007959, MONDO:0015626.
Charcot-Marie-Tooth disease type 4. Also called: Charcot-Marie-Tooth disease, type IV; Charcot-Marie-Tooth, Type 4. Identifiers: Orphanet 64749, MedGen C4082197, MONDO:0018995.
Charcot-Marie-Tooth disease type 4F. Also called: Charcot-Marie-Tooth disease, demyelinating, type 4F. Identifiers: Orphanet 99952, MedGen C3540453, MONDO:0013959, OMIM 614895.

Allele frequency attached by ClinVar (database versions not stated): gnomAD 0.00004; ExAC 0.00005; TOPMed 0.00005; gnomAD exomes 0.00006.
gnomAD v4.1: 49 of 1,614,048 alleles (0.003%); highest among the groups gnomAD compares: African/African-American, 0.0093%; no homozygotes.

Submissions (6):

PreventionGenetics, part of Exact Sciences
Classification: Uncertain significance for PRX-related condition. Last evaluated: 2025-03-01. Review status: criteria provided, single submitter. Criteria: ACMG Guidelines, 2015. Collection method: clinical testing. Allele origin: germline.
Comment: The PRX c.2690G>A variant is predicted to result in the amino acid substitution p.Arg897Gln. This variant was reported as a variant of uncertain significance in an individual with Charcot-Marie-Tooth disease; however, no additional support for pathogenicity was provided (Supp. Table 2, Volodarsky et al. 2021. PubMed ID: 32376792). This variant is reported in 0.029% of alleles in individuals of Ashkenazi Jewish descent in gnomAD. At this time, the clinical significance of this variant is uncertain due to the absence of conclusive functional and genetic evidence.

GeneDx
Classification: Uncertain significance. Last evaluated: 2023-07-26. Review status: criteria provided, single submitter. Criteria: GeneDx Variant Classification Process June 2021. Collection method: clinical testing. Allele origin: germline. Affected: yes.
Comment: In silico analysis supports that this missense variant does not alter protein structure/function; Reported previously as a variant of uncertain significance in a patient with a suspected diagnosis of Charcot-Marie-Tooth disease; however, clinical and segregation information was not provided (Volodarsky et al., 2021); This variant is associated with the following publications: (PMID: 32376792)

Labcorp Genetics (formerly Invitae), Labcorp
Classification: Uncertain significance for Charcot-Marie-Tooth disease type 4. Last evaluated: 2022-08-31. Review status: criteria provided, single submitter. Criteria: Invitae Variant Classification Sherloc (09022015). Collection method: clinical testing. Allele origin: germline.
Comment: This sequence change replaces arginine, which is basic and polar, with glutamine, which is neutral and polar, at codon 897 of the PRX protein (p.Arg897Gln). This variant is present in population databases (rs752531623, gnomAD 0.04%). This missense change has been observed in individual(s) with clinical suspicion of Charcot-Marie-Tooth disease (PMID: 32376792). ClinVar contains an entry for this variant (Variation ID: 242181). Algorithms developed to predict the effect of missense changes on protein structure and function (SIFT, PolyPhen-2, Align-GVGD) all suggest that this variant is likely to be tolerated. In summary, the available evidence is currently insufficient to determine the role of this variant in disease. Therefore, it has been classified as a Variant of Uncertain Significance.

Ambry Genetics
Classification: Uncertain significance for Inborn genetic diseases. Last evaluated: 2021-06-18. Review status: criteria provided, single submitter. Criteria: Ambry Variant Classification Scheme 2023. Collection method: clinical testing. Allele origin: germline.
Comment: The p.R897Q variant (also known as c.2690G>A), located in coding exon 4 of the PRX gene, results from a G to A substitution at nucleotide position 2690. The arginine at codon 897 is replaced by glutamine, an amino acid with highly similar properties. This amino acid position is not well conserved in available vertebrate species, and glutamine is the reference amino acid in other vertebrate species. In addition, this alteration is predicted to be tolerated by in silico analysis. Since supporting evidence is limited at this time, the clinical significance of this alteration remains unclear.

Illumina Laboratory Services, Illumina
Classification: Uncertain significance for Charcot-Marie-Tooth disease type 4F. Last evaluated: 2018-01-13. Review status: criteria provided, single submitter. Criteria: ICSL Variant Classification Criteria 13 December 2019. Collection method: clinical testing. Allele origin: germline.

Molecular Genetics Laboratory, London Health Sciences Centre
Classification: Uncertain significance for Charcot-Marie-Tooth disease. Review status: criteria provided, single submitter. Criteria: ACMG Guidelines, 2015. Collection method: clinical testing. Allele origin: germline. Affected: yes.

Literature cited by the submitters: PubMed 32376792 (cited by Labcorp Genetics (formerly Invitae), Labcorp).

NM_181882.3(PRX):c.2690G>A (p.Arg897Gln)

Gene: PRX (periaxin; minus strand). Cytogenetic location: 19q13.2.
Variant type: single nucleotide variant.
Coding change: c.2690G>A on transcript NM_181882.3 (MANE Select); coding-DNA position 2690, G replaced by A.
Protein change: p.Arg897Gln; replaces arginine 897 with glutamine.
Molecular consequence: missense variant. On other transcripts: 3 prime UTR variant (1).
Genome position (GRCh38, 1-based): chr19:40,395,662, C>T on the plus strand (G>A on the coding strand, the complement: PRX is on the minus strand). VCF-style: chr19-40395662-C-T. GRCh37 (hg19) VCF-style: chr19-40901569-C-T.
Other names: c.*2895G>A (NM_020956.2); short protein forms R897Q.
Identifiers: ClinVar variation 242181 (VCV000242181.16), dbSNP rs752531623, ClinGen allele CA9444000.
Genomic context (GRCh38, chr19:40,395,662, plus strand): 5'-CGCCCTTCCTCAATTTCCACGGCGGGCAGCTGTGGGGTGACAATTTCAACAGAGGGCACT[C>T]GGAAGCCCACTTCCCTGACCCCTGCTGCCACCTCAGGGCCCTCCACCCGCTCTCCCTTGC-3'
Protein context (NP_870998.2, residues 887-907): VAAGVREVGF[Arg897Gln]VPSVEIVTPQ